The following is an entry in ClinVar:

NM_007194.4(CHEK2):c.575C>G (p.Ser192Ter)

Gene: CHEK2 (checkpoint kinase 2; minus strand). Cytogenetic location: 22q12.1.
Variant type: single nucleotide variant.
Coding change: c.575C>G on transcript NM_007194.4 (MANE Select); coding-DNA position 575, C replaced by G.
Protein change: p.Ser192Ter; replaces serine 192 with a stop codon.
Molecular consequence: nonsense. On other transcripts: 5 prime UTR variant (2), intron variant (1).
Genome position (GRCh38, 1-based): chr22:28,724,994, G>C on the plus strand (C>G on the coding strand, the complement: CHEK2 is on the minus strand). VCF-style: chr22-28724994-G-C. GRCh37 (hg19) VCF-style: chr22-29120982-G-C.
Other names: c.704C>G, p.Ser235Ter (NM_001005735.3, NM_001438294.1); c.-203C>G (NM_001257387.3); c.-89C>G (NM_001437942.1); c.668C>G, p.Ser223Ter (NM_001438293.1, NM_001438295.1); c.575C>G, p.Ser192Ter (NM_145862.3); c.445-71C>G (NM_001349956.3); short protein forms S192*, S235*, S223*.
Identifiers: ClinVar variation 2583451 (VCV002583451.2), dbSNP rs899211928, ClinGen allele CA411107032.

ClinVar aggregate classification (germline): Pathogenic (1 of 4 stars; one submission).

Conditions:
Familial cancer of breast. Also called: Hereditary breast cancer; BREAST CANCER, FAMILIAL; hereditary breast carcinoma. Identifiers: Orphanet 227535, MedGen C0346153, MONDO:0016419, OMIM 114480. Disease mechanism: loss of function.

Submission:

Myriad Genetics, Inc.
Classification: Pathogenic for Familial cancer of breast. Last evaluated: 2023-06-26. Review status: criteria provided, single submitter. Criteria: Myriad Autosomal Dominant, Autosomal Recessive and X-Linked Classification Criteria (2023). Collection method: clinical testing. Allele origin: unknown.
Comment: This variant is considered pathogenic. This variant creates a termination codon and is predicted to result in premature protein truncation.